The following is an entry in ClinVar:

ClinVar aggregate classification (germline): Benign/Likely benign. Review status: criteria provided, multiple submitters, no conflicts (2 of 4 stars). 4 submissions from 4 submitters: Benign (2); Likely benign (2). Last evaluated 2026-03-01.

Conditions:
Paget disease of bone 3. Identifiers: MedGen C4085252, MONDO:0008176, OMIM 167250.
Frontotemporal dementia and/or amyotrophic lateral sclerosis 1 (FTDALS1). Also called: Frontotemporal dementia with motor neuron disease 1; C9orf72 Frontotemporal Dementia and/or Amyotrophic Lateral Sclerosis. Identifiers: Orphanet 275872, MedGen C5779877, MONDO:0007105, OMIM 105550.
Paget disease of bone 2, early-onset (PDB2). Also called: Paget disease of bone 2. Identifiers: MedGen C4085251, MONDO:0011183, OMIM 602080.

Allele frequency attached by ClinVar (database versions not stated): gnomAD exomes 0.00017 and 0.00080; gnomAD 0.00026 and 0.00033; TOPMed 0.00043; ExAC 0.00069; 1000 Genomes Project 30x 0.00141; 1000 Genomes Project 0.00160.

Submissions (4):

CeGaT Center for Human Genetics Tuebingen
Classification: Likely benign. Last evaluated: 2026-03-01. Review status: criteria provided, single submitter. Criteria: CeGaT Center For Human Genetics Tuebingen Variant Classification Criteria Version 2. Collection method: clinical testing. Allele origin: germline. Affected: yes. Observed: 1 variant allele.
Comment: SQSTM1: BP4, BP7

Labcorp Genetics (formerly Invitae), Labcorp
Classification: Benign for Paget disease of bone 2, early-onset; Frontotemporal dementia and/or amyotrophic lateral sclerosis 1. Last evaluated: 2026-01-26. Review status: criteria provided, single submitter. Criteria: Invitae Variant Classification Sherloc (09022015). Collection method: clinical testing. Allele origin: germline.

Mayo Clinic Laboratories, Mayo Clinic
Classification: Benign. Last evaluated: 2024-12-05. Review status: criteria provided, single submitter. Criteria: ACMG Guidelines, 2015. Collection method: clinical testing. Allele origin: germline. Observed: 1 variant allele.
Comment: BS1, BS2, BP4, BP7

Illumina Laboratory Services, Illumina
Classification: Likely benign for Paget disease of bone 3. Last evaluated: 2018-01-13. Review status: criteria provided, single submitter. Criteria: ICSL Variant Classification Criteria 13 December 2019. Collection method: clinical testing. Allele origin: germline.
Comment: This variant was observed in the ICSL laboratory as part of a predisposition screen in an ostensibly healthy population. It had not been previously curated by ICSL or reported in the Human Gene Mutation Database (HGMD: prior to June 1st, 2018), and was therefore a candidate for classification through an automated scoring system. Utilizing variant allele frequency, disease prevalence and penetrance estimates, and inheritance mode, an automated score was calculated to assess if this variant is too frequent to cause the disease. Based on the score and internal cut-off values, a variant classified as likely benign is not then subjected to further curation. The score for this variant resulted in a classification of likely benign for this disease.

NM_003900.5(SQSTM1):c.819A>G (p.Pro273=)

Gene: SQSTM1 (sequestosome 1; plus strand). Cytogenetic location: 5q35.3.
Variant type: single nucleotide variant.
Coding change: c.819A>G on transcript NM_003900.5 (MANE Select); coding-DNA position 819, A replaced by G.
Protein change: p.Pro273=; no amino-acid change (proline 273 retained).
Molecular consequence: synonymous variant.
Genome position (GRCh38, 1-based): chr5:179,833,096, A>G. VCF-style: chr5-179833096-A-G. GRCh37 (hg19) VCF-style: chr5-179260096-A-G.
Other names: p.Pro273=; c.567A>G, p.Pro189= (NM_001142298.2, NM_001142299.2).
Identifiers: ClinVar variation 353163 (VCV000353163.20), dbSNP rs200388590, ClinGen allele CA3600697.